The following is an entry in ClinVar:

NM_007215.4(POLG2):c.378C>A (p.Phe126Leu)

Genes: MILR1 (mast cell immunoglobulin like receptor 1; plus strand), POLG2 (DNA polymerase gamma 2, accessory subunit; minus strand). Cytogenetic location: 17q23.3.
Variant type: single nucleotide variant.
Coding change: c.378C>A on transcript NM_007215.4 (MANE Select); coding-DNA position 378, C replaced by A.
Protein change: p.Phe126Leu; replaces phenylalanine 126 with leucine.
Molecular consequence: missense variant.
Genome position (GRCh38, 1-based): chr17:64,496,591, G>T on the plus strand (C>A on the coding strand, the complement: POLG2 is on the minus strand). VCF-style: chr17-64496591-G-T. GRCh37 (hg19) VCF-style: chr17-62492709-G-T.
Other names: short protein forms F126L.
Identifiers: ClinVar variation 1445207 (VCV001445207.8), dbSNP rs2144221501, ClinGen allele CA400641060.

ClinVar aggregate classification (germline): Uncertain significance (1 of 4 stars; one submission).

Submission:

Labcorp Genetics (formerly Invitae), Labcorp
Classification: Uncertain significance. Last evaluated: 2024-10-26. Review status: criteria provided, single submitter. Criteria: Invitae Variant Classification Sherloc (09022015). Collection method: clinical testing. Allele origin: germline.
Comment: This sequence change replaces phenylalanine, which is neutral and non-polar, with leucine, which is neutral and non-polar, at codon 126 of the POLG2 protein (p.Phe126Leu). This variant is not present in population databases (gnomAD no frequency). This variant has not been reported in the literature in individuals affected with POLG2-related conditions. ClinVar contains an entry for this variant (Variation ID: 1445207). An algorithm developed to predict the effect of missense changes on protein structure and function outputs the following: PolyPhen-2: "Benign". The leucine amino acid residue is found in multiple mammalian species, which suggests that this missense change does not adversely affect protein function. In summary, the available evidence is currently insufficient to determine the role of this variant in disease. Therefore, it has been classified as a Variant of Uncertain Significance.